The following is an entry in ClinVar:

ClinVar aggregate classification (germline): Uncertain significance. Review status: criteria provided, multiple submitters, no conflicts (2 of 4 stars). 2 submissions from 2 submitters: Uncertain significance (2). Last evaluated 2024-03-26.

Conditions:
CHARGE syndrome (CHARGE). Also called: Coloboma, heart anomaly, choanal atresia, retardation, genital and ear anomalies; CHARGE association; Hall-Hittner syndrome; Hittner Hirsch Kreh syndrome; CHARGE ASSOCIATION--COLOBOMA, HEART ANOMALY, CHOANAL ATRESIA, RETARDATION, GENITAL AND EAR ANOMALIES. Identifiers: Orphanet 138, MedGen C0265354, MONDO:0008965.
Hypogonadotropic hypogonadism 5 with or without anosmia (KAL5). Also called: HYPOGONADOTROPIC HYPOGONADISM 5 WITH ANOSMIA; HYPOGONADOTROPHIC HYPOGONADISM 5 WITHOUT ANOSMIA; CHD7-Related GnRH Deficiency (Kallmann Syndrome 5). Identifiers: Orphanet 478, MedGen C3552553, MONDO:0012880, OMIM 612370. Disease mechanism: loss of function.

Allele frequency attached by ClinVar (database versions not stated): gnomAD exomes below 0.00001.
gnomAD v4.1: 1 of 1,613,850 alleles (0.000062%); highest among the groups gnomAD compares: Non-Finnish European, 0.000085%; no homozygotes.

Submissions (2):

Genomic Medicine Center of Excellence, King Faisal Specialist Hospital and Research Centre
Classification: Uncertain significance for CHD7-related CHARGE syndrome. Last evaluated: 2024-03-26. Review status: criteria provided, single submitter. Criteria: ACMG Guidelines, 2015. Collection method: clinical testing. Allele origin: germline.

Center for Genomics, Ann and Robert H. Lurie Children's Hospital of Chicago
Classification: Uncertain significance for Hypogonadotropic hypogonadism 5 with or without anosmia; CHD7-related CHARGE syndrome. Review status: criteria provided, single submitter. Criteria: ACMG Guidelines, 2015. Collection method: clinical testing. Allele origin: germline.
Comment: CHD7 NM_017780.3 exon 31 p.Gly2136Glu (c.6407G>A): This variant has not been reported in the literature and is not present in large control databases. Evolutionary conservation and computational predictive tools for this variant are unclear. In summary, data on this variant is insufficient for disease classification. Therefore, the clinical significance of this variant is uncertain

NM_017780.4(CHD7):c.6407G>A (p.Gly2136Glu)

Gene: CHD7 (chromodomain helicase DNA binding protein 7; plus strand). Cytogenetic location: 8q12.2.
Variant type: single nucleotide variant.
Coding change: c.6407G>A on transcript NM_017780.4 (MANE Select); coding-DNA position 6407, G replaced by A.
Protein change: p.Gly2136Glu; replaces glycine 2136 with glutamic acid.
Molecular consequence: missense variant. On other transcripts: intron variant (1).
Genome position (GRCh38, 1-based): chr8:60,853,132, G>A. VCF-style: chr8-60853132-G-A. GRCh37 (hg19) VCF-style: chr8-61765691-G-A.
Other names: c.1717-9097G>A (NM_001316690.1); short protein forms G2136E.
Identifiers: ClinVar variation 626085 (VCV000626085.4), dbSNP rs1563660814, ClinGen allele CA371325074.